The following is an entry in ClinVar:

ClinVar aggregate classification (germline): Uncertain significance. Review status: criteria provided, multiple submitters, no conflicts (2 of 4 stars). 2 submissions from 2 submitters: Uncertain significance (2). Last evaluated 2021-09-23.

Conditions:
Autosomal recessive limb-girdle muscular dystrophy type 2J (LGMDR10). Also called: Limb-girdle muscular dystrophy, type 2J; MUSCULAR DYSTROPHY, LIMB-GIRDLE, AUTOSOMAL RECESSIVE 10. Identifiers: Orphanet 140922, MedGen C1837342, MONDO:0012127, OMIM 608807.
Hypertrophic cardiomyopathy 9. Also called: Familial hypertrophic cardiomyopathy 9. Identifiers: MedGen C1861065, MONDO:0013412, OMIM 613765.
Early-onset myopathy with fatal cardiomyopathy (CMYO5). Also called: CONGENITAL MYOPATHY 5 WITH CARDIOMYOPATHY; Salih Myopathy. Identifiers: Orphanet 289377, MedGen C2673677, MONDO:0012714, OMIM 611705. Disease mechanism: loss of function.
Dilated cardiomyopathy 1G (CMD1G). Identifiers: Orphanet 154, MedGen C1858763, MONDO:0011400, OMIM 604145.
Myopathy, myofibrillar, 9, with early respiratory failure (MFM9). Also called: Hereditary myopathy with early respiratory failure; EDSTROM MYOPATHY; MYOPATHY, PROXIMAL, WITH EARLY RESPIRATORY MUSCLE INVOLVEMENT; Myopathy, distal, with early respiratory failure, autosomal dominant. Identifiers: Orphanet 178464, Orphanet 34521, MedGen C1863599, MONDO:0011362, OMIM 603689.
Tibial muscular dystrophy (TMD). Also called: Udd Distal Myopathy – Tibial Muscular Dystrophy; UDD MYOPATHY; Tibial muscular dystrophy, tardive. Identifiers: Orphanet 609, MedGen C1838244, MONDO:0010870, OMIM 600334.

Allele frequency attached by ClinVar (database versions not stated): gnomAD exomes 0.00001.
gnomAD v4.1: 3 of 1,587,852 alleles (0.00019%); highest among the groups gnomAD compares: Middle Eastern, 0.034%; no homozygotes.

Submissions (2):

Women's Health and Genetics/Laboratory Corporation of America, LabCorp
Classification: Uncertain significance. Last evaluated: 2021-09-23. Review status: criteria provided, single submitter. Criteria: LabCorp Variant Classification Summary - May 2015. Collection method: clinical testing. Allele origin: germline.
Comment: Variant summary: TTN c.88024C>T (p.Pro29342Ser) results in a non-conservative amino acid change located in the A-Band domain of the encoded protein sequence. Five of five in-silico tools predict a damaging effect of the variant on protein function. The variant allele was found at a frequency of 8.4e-06 in 238282 control chromosomes. The available data on variant occurrences in the general population are insufficient to allow any conclusion about variant significance. To our knowledge, no occurrence of c.88024C>T in individuals affected with Dilated Cardiomyopathy and no experimental evidence demonstrating its impact on protein function have been reported. No clinical diagnostic laboratories have submitted clinical-significance assessments for this variant to ClinVar after 2014. Based on the evidence outlined above, the variant was classified as uncertain significance.

Fulgent Genetics
Classification: Uncertain significance for Tibial muscular dystrophy; Myopathy, myofibrillar, 9, with early respiratory failure; Dilated cardiomyopathy 1G; Autosomal recessive limb-girdle muscular dystrophy type 2J; Early-onset myopathy with fatal cardiomyopathy; Hypertrophic cardiomyopathy 9. Last evaluated: 2021-09-20. Review status: criteria provided, single submitter. Criteria: ACMG Guidelines, 2015. Collection method: clinical testing. Allele origin: unknown.

NM_001267550.2(TTN):c.95728C>T (p.Pro31910Ser)

Genes: TTN (titin; minus strand), TTN-AS1 (TTN antisense RNA 1; plus strand). Cytogenetic location: 2q31.2.
Variant type: single nucleotide variant.
Coding change: c.95728C>T on transcript NM_001267550.2 (MANE Select); coding-DNA position 95728, C replaced by T.
Protein change: p.Pro31910Ser; replaces proline 31910 with serine.
Molecular consequence: missense variant.
Genome position (GRCh38, 1-based): chr2:178,544,501, G>A on the plus strand (C>T on the coding strand, the complement: TTN is on the minus strand). VCF-style: chr2-178544501-G-A. GRCh37 (hg19) VCF-style: chr2-179409228-G-A.
Other names: c.68533C>T, p.Pro22845Ser (NM_003319.4); c.88024C>T, p.Pro29342Ser (NM_133378.4); c.68908C>T, p.Pro22970Ser (NM_133432.3); c.69109C>T, p.Pro23037Ser (NM_133437.4); c.90805C>T, p.Pro30269Ser (NM_001256850.1); short protein forms P22845S, P22970S, P23037S, P29342S, P30269S, P31910S.
Identifiers: ClinVar variation 1301378 (VCV001301378.2), dbSNP rs199618831, ClinGen allele CA60970720.
Genomic context (GRCh38, chr2:178,544,501, plus strand): 5'-ATGCCAAACTAATGCTGTGTTTGGTGGTATCCACAACTCTTGGAGCAGAAGGTGGTCCAG[G>A]GGTATCTGTGGAATTTAAAAAGTGAGATGCAGATATTAGGCAAATAAGGAAATGTTGAGA-3'
Protein context (NP_001254479.2, residues 31900-31920): FISCREPSYT[Pro31910Ser]GPPSAPRVVD